The following is an entry in ClinVar:

ClinVar aggregate classification (germline): Uncertain significance. Review status: criteria provided, multiple submitters, no conflicts (2 of 4 stars). 2 submissions from 2 submitters: Uncertain significance (2). Last evaluated 2025-05-14.

Conditions:
Nephronophthisis 16 (NPHP16). Identifiers: Orphanet 655, MedGen C3809320, MONDO:0014158, OMIM 615382.
Inborn genetic diseases. Identifiers: MedGen C0950123, MeSH D030342.

Allele frequency attached by ClinVar (database versions not stated): gnomAD exomes 0.00003; ExAC 0.00004; gnomAD 0.00005; TOPMed 0.00005; ESP Exome Variant Server 0.00008.
gnomAD v4.1: 58 of 1,611,578 alleles (0.0036%); highest among the groups gnomAD compares: South Asian, 0.0077%; no homozygotes.

Submissions (2):

Labcorp Genetics (formerly Invitae), Labcorp
Classification: Uncertain significance for Nephronophthisis 16. Last evaluated: 2025-05-14. Review status: criteria provided, single submitter. Criteria: Invitae Variant Classification Sherloc (09022015). Collection method: clinical testing. Allele origin: germline.
Comment: This sequence change replaces arginine, which is basic and polar, with glutamine, which is neutral and polar, at codon 427 of the ANKS6 protein (p.Arg427Gln). This variant is present in population databases (rs200259719, gnomAD 0.06%). This variant has not been reported in the literature in individuals affected with ANKS6-related conditions. ClinVar contains an entry for this variant (Variation ID: 3127019). An algorithm developed to predict the effect of missense changes on protein structure and function (PolyPhen-2) suggests that this variant is likely to be tolerated. In summary, the available evidence is currently insufficient to determine the role of this variant in disease. Therefore, it has been classified as a Variant of Uncertain Significance.

Ambry Genetics
Classification: Uncertain significance for Inborn genetic diseases. Last evaluated: 2023-12-13. Review status: criteria provided, single submitter. Criteria: Ambry Variant Classification Scheme 2023. Collection method: clinical testing. Allele origin: germline.

NM_173551.5(ANKS6):c.1280G>A (p.Arg427Gln)

Gene: ANKS6 (ankyrin repeat and sterile alpha motif domain containing 6; minus strand). Cytogenetic location: 9q22.33.
Variant type: single nucleotide variant.
Coding change: c.1280G>A on transcript NM_173551.5 (MANE Select); coding-DNA position 1280, G replaced by A.
Protein change: p.Arg427Gln; replaces arginine 427 with glutamine.
Molecular consequence: missense variant.
Genome position (GRCh38, 1-based): chr9:98,780,277, C>T on the plus strand (G>A on the coding strand, the complement: ANKS6 is on the minus strand). VCF-style: chr9-98780277-C-T. GRCh37 (hg19) VCF-style: chr9-101542559-C-T.
Other names: short protein forms R427Q.
Identifiers: ClinVar variation 3127019 (VCV003127019.2), dbSNP rs200259719, ClinGen allele CA5153562.